The following is an entry in ClinVar:

NM_021830.5(TWNK):c.1376T>G (p.Phe459Cys)

Gene: TWNK (twinkle mtDNA helicase; plus strand). Cytogenetic location: 10q24.31.
Variant type: single nucleotide variant.
Coding change: c.1376T>G on transcript NM_021830.5 (MANE Select); coding-DNA position 1376, T replaced by G.
Protein change: p.Phe459Cys; replaces phenylalanine 459 with cysteine.
Molecular consequence: missense variant. On other transcripts: non-coding transcript variant (5).
Genome position (GRCh38, 1-based): chr10:100,989,776, T>G. VCF-style: chr10-100989776-T-G. GRCh37 (hg19) VCF-style: chr10-102749533-T-G.
Other names: c.1376T>G, p.Phe459Cys (NM_001163812.2); c.14T>G, p.Phe5Cys (NM_001163813.2, NM_001163814.2, NM_001368275.1); short protein forms F5C, F459C.
Identifiers: ClinVar variation 2125199 (VCV002125199.4), dbSNP rs2493636644, ClinGen allele CA378210730.
Genomic context (GRCh38, chr10:100,989,776, plus strand): 5'-CACTGTGGGGTAGCTTCGAGATCAGCAATGTGAGACTAGCCCGGGTCATGCTGACACAGT[T>G]TGCCGAGGGGCGGCTGGAAGATCAACTGGACAAATATGATCACTGGGCTGACCGCTTTGA-3'
Protein context (NP_068602.2, residues 449-469): VRLARVMLTQ[Phe459Cys]AEGRLEDQLD

ClinVar aggregate classification (germline): Uncertain significance (1 of 4 stars; one submission).

Submission:

Labcorp Genetics (formerly Invitae), Labcorp
Classification: Uncertain significance. Last evaluated: 2022-04-12. Review status: criteria provided, single submitter. Criteria: Invitae Variant Classification Sherloc (09022015). Collection method: clinical testing. Allele origin: germline.
Comment: In summary, the available evidence is currently insufficient to determine the role of this variant in disease. Therefore, it has been classified as a Variant of Uncertain Significance. Advanced modeling of protein sequence and biophysical properties (such as structural, functional, and spatial information, amino acid conservation, physicochemical variation, residue mobility, and thermodynamic stability) performed at Invitae indicates that this missense variant is expected to disrupt TWNK protein function. This variant has not been reported in the literature in individuals affected with TWNK-related conditions. This variant is not present in population databases (gnomAD no frequency). This sequence change replaces phenylalanine, which is neutral and non-polar, with cysteine, which is neutral and slightly polar, at codon 459 of the TWNK protein (p.Phe459Cys).